The following is an entry in ClinVar:

NM_177438.3(DICER1):c.2761G>T (p.Val921Phe)

Gene: DICER1 (dicer 1, ribonuclease III; minus strand). Cytogenetic location: 14q32.13.
Variant type: single nucleotide variant.
Coding change: c.2761G>T on transcript NM_177438.3 (MANE Select); coding-DNA position 2761, G replaced by T.
Protein change: p.Val921Phe; replaces valine 921 with phenylalanine.
Molecular consequence: missense variant.
Genome position (GRCh38, 1-based): chr14:95,107,651, C>A on the plus strand (G>T on the coding strand, the complement: DICER1 is on the minus strand). VCF-style: chr14-95107651-C-A. GRCh37 (hg19) VCF-style: chr14-95573988-C-A.
Other names: c.2761G>T, p.Val921Phe (NM_001195573.1, NM_001271282.3, NM_001291628.2 and 1 more transcripts); c.2761G>T (NM_177438.2); short protein forms V921F.
Identifiers: ClinVar variation 1054255 (VCV001054255.11), dbSNP rs2140018815, ClinGen allele CA390879497.

ClinVar aggregate classification (germline): Uncertain significance. Review status: criteria provided, multiple submitters, no conflicts (2 of 4 stars). 2 submissions from 2 submitters: Uncertain significance (2). Last evaluated 2024-07-13.

Conditions:
Hereditary cancer-predisposing syndrome. Also called: Hereditary Cancer Syndrome; Tumor predisposition; Hereditary neoplastic syndrome; Neoplastic Syndromes, Hereditary. Identifiers: Orphanet 140162, MedGen C0027672, MeSH D009386, MONDO:0015356.
DICER1-related tumor predisposition. Also called: DICER1-related pleuropulmonary blastoma cancer predisposition syndrome; DICER1 syndrome. Identifiers: Orphanet 284343, MedGen C3839822, MONDO:0100216.

Allele frequency attached by ClinVar (database versions not stated): gnomAD exomes 0.00001.
gnomAD v4.1: 5 of 1,613,770 alleles (0.00031%); highest among the groups gnomAD compares: Non-Finnish European, 0.00042%; no homozygotes.

Submissions (2):

Ambry Genetics
Classification: Uncertain significance for Hereditary cancer-predisposing syndrome. Last evaluated: 2024-07-13. Review status: criteria provided, single submitter. Criteria: Ambry Variant Classification Scheme 2023. Collection method: clinical testing. Allele origin: germline.
Comment: The p.V921F variant (also known as c.2761G>T), located in coding exon 16 of the DICER1 gene, results from a G to T substitution at nucleotide position 2761. The valine at codon 921 is replaced by phenylalanine, an amino acid with highly similar properties. This amino acid position is conserved. In addition, this alteration is predicted to be tolerated by in silico analysis. Based on the available evidence, the clinical significance of this variant remains unclear.

Labcorp Genetics (formerly Invitae), Labcorp
Classification: Uncertain significance for DICER1-related tumor predisposition. Last evaluated: 2020-02-29. Review status: criteria provided, single submitter. Criteria: Invitae Variant Classification Sherloc (09022015). Collection method: clinical testing. Allele origin: germline.
Comment: In summary, the available evidence is currently insufficient to determine the role of this variant in disease. Therefore, it has been classified as a Variant of Uncertain Significance. Algorithms developed to predict the effect of missense changes on protein structure and function (SIFT, PolyPhen-2, Align-GVGD) all suggest that this variant is likely to be tolerated, but these predictions have not been confirmed by published functional studies and their clinical significance is uncertain. This variant has not been reported in the literature in individuals with DICER1-related conditions. This variant is not present in population databases (ExAC no frequency). This sequence change replaces valine with phenylalanine at codon 921 of the DICER1 protein (p.Val921Phe). The valine residue is weakly conserved and there is a small physicochemical difference between valine and phenylalanine.